The following is an entry in ClinVar:

ClinVar aggregate classification (germline): Likely pathogenic (1 of 4 stars; one submission).

Conditions:
Congenital lactic acidosis, Saguenay-Lac-Saint-Jean type (MC4DN5). Also called: CYTOCHROME c OXIDASE DEFICIENCY, FRENCH CANADIAN TYPE; COX DEFICIENCY, FRENCH CANADIAN TYPE; MITOCHONDRIAL COMPLEX IV DEFICIENCY, NUCLEAR TYPE 5. Identifiers: Orphanet 70472, MedGen C1857355, MONDO:0009069, OMIM 220111.

Submission:

Myriad Genetics, Inc.
Classification: Likely pathogenic for Congenital lactic acidosis, Saguenay-Lac-Saint-Jean type. Last evaluated: 2022-04-01. Review status: criteria provided, single submitter. Criteria: Myriad Women's Health Autosomal Recessive and X-Linked Classification Criteria (2021). Collection method: clinical testing. Allele origin: unknown.
Comment: NM_133259.3(LRPPRC):c.3778_3779delCA(Q1260Tfs*9) is expected to be pathogenic in the context of Leigh syndrome, French-Canadian type. This variant is predicted to lead to an abnormal or absent protein product due to the creation of a premature termination codon in LRPPRC, a gene where loss-of-function variants are known to be pathogenic. Please note: this variant was assessed in the context of healthy population screening.

NM_133259.4(LRPPRC):c.3778_3779del (p.Gln1260fs)

Gene: LRPPRC (leucine rich pentatricopeptide repeat containing; minus strand). Cytogenetic location: 2p21.
Variant type: Deletion.
Coding change: c.3778_3779del on transcript NM_133259.4 (MANE Select); coding-DNA positions 3778 to 3779, 2 bases deleted (CA; older notation c.3778_3779delCA).
Protein change: p.Gln1260fs; shifts the reading frame from glutamine 1260.
Molecular consequence: frameshift variant.
Genome position (GRCh38, 1-based): chr2:43,899,265-43,899,266, TG deleted on the plus strand (CA on the coding strand, the reverse complement: LRPPRC is on the minus strand). VCF-style (leftmost placement, unchanged base first): chr2-43899264-TTG-T. GRCh37 (hg19) VCF-style: chr2-44126403-TTG-T.
Other names: short protein forms Q1260fs.
Identifiers: ClinVar variation 1725814 (VCV001725814.2), dbSNP rs2466376675, ClinGen allele CA2580066484.